The following is an entry in ClinVar:

ClinVar aggregate classification (germline): Uncertain significance (1 of 4 stars; one submission).

Conditions:
Progressive myoclonic epilepsy type 5. Identifiers: Orphanet 402082, MedGen C5190799.

Allele frequency attached by ClinVar (database versions not stated): TOPMed 0.00001.

Submission:

Labcorp Genetics (formerly Invitae), Labcorp
Classification: Uncertain significance for Progressive myoclonic epilepsy type 5. Last evaluated: 2025-04-01. Review status: criteria provided, single submitter. Criteria: Invitae Variant Classification Sherloc (09022015). Collection method: clinical testing. Allele origin: germline.
Comment: This sequence change replaces glycine, which is neutral and non-polar, with glutamic acid, which is acidic and polar, at codon 511 of the PRICKLE2 protein (p.Gly511Glu). This variant is not present in population databases (gnomAD no frequency). This variant has not been reported in the literature in individuals affected with PRICKLE2-related conditions. ClinVar contains an entry for this variant (Variation ID: 663909). Invitae Evidence Modeling of protein sequence and biophysical properties (such as structural, functional, and spatial information, amino acid conservation, physicochemical variation, residue mobility, and thermodynamic stability) indicates that this missense variant is not expected to disrupt PRICKLE2 protein function with a negative predictive value of 80%. In summary, the available evidence is currently insufficient to determine the role of this variant in disease. Therefore, it has been classified as a Variant of Uncertain Significance.

NM_198859.4(PRICKLE2):c.1532G>A (p.Gly511Glu)

Gene: PRICKLE2 (prickle planar cell polarity protein 2; minus strand). Cytogenetic location: 3p14.1.
Variant type: single nucleotide variant.
Coding change: c.1532G>A on transcript NM_198859.4 (MANE Select); coding-DNA position 1532, G replaced by A.
Protein change: p.Gly511Glu; replaces glycine 511 with glutamic acid.
Molecular consequence: missense variant.
Genome position (GRCh38, 1-based): chr3:64,146,958, C>T on the plus strand (G>A on the coding strand, the complement: PRICKLE2 is on the minus strand). VCF-style: chr3-64146958-C-T. GRCh37 (hg19) VCF-style: chr3-64132634-C-T.
Other names: c.1532G>A, p.Gly511Glu (NM_001370528.1); short protein forms G511E.
Identifiers: ClinVar variation 663909 (VCV000663909.8), dbSNP rs755987796, ClinGen allele CA353428991.
Genomic context (GRCh38, chr3:64,146,958, plus strand): 5'-TCTGTGTATTTCAGGGAACTGATGGGATGACGGGTCCGACACTGCTGAGTGGACAAGCCC[C>T]CTTCCTCTTCCTCTTCCTCCTCATATTTGGGGACTTGGATGCTGCCTCGGGTCTCACTGA-3'
Protein context (NP_942559.1, residues 501-521): PKYEEEEEEE[Gly511Glu]GLSTQQCRTR